The following is an entry in ClinVar:

ClinVar aggregate classification (germline): Benign/Likely benign. Review status: criteria provided, multiple submitters, no conflicts (2 of 4 stars). 3 submissions from 3 submitters: Benign (1); Likely benign (2). Last evaluated 2026-01-25.

Allele frequency attached by ClinVar (database versions not stated): TOPMed 0.00002; ESP Exome Variant Server 0.00008; gnomAD exomes 0.00013; gnomAD 0.00015; ExAC 0.00034.
gnomAD v4.1: 230 of 1,613,714 alleles (0.014%); highest among the groups gnomAD compares: Non-Finnish European, 0.0027%; no homozygotes.

Submissions (3):

Labcorp Genetics (formerly Invitae), Labcorp
Classification: Benign. Last evaluated: 2026-01-25. Review status: criteria provided, single submitter. Criteria: Invitae Variant Classification Sherloc (09022015). Collection method: clinical testing. Allele origin: germline.

Blueprint Genetics
Classification: Likely benign. Last evaluated: 2024-11-25. Review status: criteria provided, single submitter. Criteria: ACMG Guidelines, 2015. Collection method: clinical testing. Allele origin: germline.

Mayo Clinic Laboratories, Mayo Clinic
Classification: Likely benign. Last evaluated: 2024-11-01. Review status: criteria provided, single submitter. Criteria: ACMG Guidelines, 2015. Collection method: clinical testing. Allele origin: germline. Observed: 1 variant allele.
Comment: BS2, BP4, BP7

NM_001113491.2(SEPTIN9):c.1203G>A (p.Lys401=)

Gene: SEPTIN9 (septin 9; plus strand). Cytogenetic location: 17q25.3.
Variant type: single nucleotide variant.
Coding change: c.1203G>A on transcript NM_001113491.2 (MANE Select); coding-DNA position 1203, G replaced by A.
Protein change: p.Lys401=; no amino-acid change (lysine 401 retained).
Molecular consequence: synonymous variant.
Genome position (GRCh38, 1-based): chr17:77,488,805, G>A. VCF-style: chr17-77488805-G-A. GRCh37 (hg19) VCF-style: chr17-75484887-G-A.
Other names: p.Lys383=; c.1149G>A (NM_006640.4); c.711G>A, p.Lys237= (NM_001113492.2, NM_001113494.1); c.1182G>A, p.Lys394= (NM_001113493.2); c.450G>A, p.Lys150= (NM_001113495.2, NM_001113496.2, NM_001293697.2 and 1 more transcripts); c.1146G>A, p.Lys382= (NM_001293695.2); c.531G>A, p.Lys177= (NM_001293696.2); c.1149G>A, p.Lys383= (NM_006640.5).
Identifiers: ClinVar variation 2445518 (VCV002445518.6), dbSNP rs376691772, ClinGen allele CA8793710.